The following is an entry in ClinVar:

ClinVar aggregate classification (germline): Uncertain significance (1 of 4 stars; one submission).

Submission:

GeneDx
Classification: Uncertain significance. Last evaluated: 2022-01-24. Review status: criteria provided, single submitter. Criteria: GeneDx Variant Classification Process June 2021. Collection method: clinical testing. Allele origin: germline. Affected: yes.
Comment: Not observed at significant frequency in large population cohorts (gnomAD); Nonsense variant predicted to result in protein truncation or nonsense mediated decay in a gene for which loss-of-function is not a known mechanism of disease; Has not been previously published as pathogenic or benign to our knowledge; Variants in candidate genes are classified as variants of uncertain significance in accordance with ACMG guidelines (Richards et al., 2015)

NM_015057.5(MYCBP2):c.5752C>T (p.Arg1918Ter)

Gene: MYCBP2 (MYC binding protein 2; minus strand). Cytogenetic location: 13q22.3.
Variant type: single nucleotide variant.
Coding change: c.5752C>T on transcript NM_015057.5 (MANE Select); coding-DNA position 5752, C replaced by T.
Protein change: p.Arg1918Ter; replaces arginine 1918 with a stop codon.
Molecular consequence: nonsense.
Genome position (GRCh38, 1-based): chr13:77,171,534, G>A on the plus strand (C>T on the coding strand, the complement: MYCBP2 is on the minus strand). VCF-style: chr13-77171534-G-A. GRCh37 (hg19) VCF-style: chr13-77745669-G-A.
Other names: short protein forms R1918*.
Identifiers: ClinVar variation 1712153 (VCV001712153.2), dbSNP rs745564444, ClinGen allele CA388419601.